The following is an entry in ClinVar:

ClinVar aggregate classification (germline): Uncertain significance. Review status: criteria provided, multiple submitters, no conflicts (2 of 4 stars). 2 submissions from 2 submitters: Uncertain significance (2). Last evaluated 2024-02-16.

Conditions:
Inborn genetic diseases. Identifiers: MedGen C0950123, MeSH D030342.

Allele frequency attached by ClinVar (database versions not stated): gnomAD exomes below 0.00001.
gnomAD v4.1: 1 of 1,614,010 alleles (0.000062%); highest among the groups gnomAD compares: Non-Finnish European, 0.000085%; no homozygotes.

Submissions (2):

Ambry Genetics
Classification: Uncertain significance for Inborn genetic diseases. Last evaluated: 2024-02-16. Review status: criteria provided, single submitter. Criteria: Ambry Variant Classification Scheme 2023. Collection method: clinical testing. Allele origin: germline.
Comment: The p.P262R variant (also known as c.785C>G), located in coding exon 4 of the ATR gene, results from a C to G substitution at nucleotide position 785. The proline at codon 262 is replaced by arginine, an amino acid with dissimilar properties. This amino acid position is conserved. In addition, the in silico prediction for this alteration is inconclusive. Based on the available evidence, the clinical significance of this alteration remains unclear.

Labcorp Genetics (formerly Invitae), Labcorp
Classification: Uncertain significance. Last evaluated: 2022-10-20. Review status: criteria provided, single submitter. Criteria: Invitae Variant Classification Sherloc (09022015). Collection method: clinical testing. Allele origin: germline.
Comment: This sequence change replaces proline, which is neutral and non-polar, with arginine, which is basic and polar, at codon 262 of the ATR protein (p.Pro262Arg). In summary, the available evidence is currently insufficient to determine the role of this variant in disease. Therefore, it has been classified as a Variant of Uncertain Significance. Algorithms developed to predict the effect of missense changes on protein structure and function are either unavailable or do not agree on the potential impact of this missense change (SIFT: "Tolerated"; PolyPhen-2: "Probably Damaging"; Align-GVGD: "Class C0"). This variant has not been reported in the literature in individuals affected with ATR-related conditions. This variant is present in population databases (no rsID available, gnomAD 0.0009%).

NM_001184.4(ATR):c.785C>G (p.Pro262Arg)

Gene: ATR (ATR checkpoint kinase; minus strand). Cytogenetic location: 3q23.
Variant type: single nucleotide variant.
Coding change: c.785C>G on transcript NM_001184.4 (MANE Select); coding-DNA position 785, C replaced by G.
Protein change: p.Pro262Arg; replaces proline 262 with arginine.
Molecular consequence: missense variant.
Genome position (GRCh38, 1-based): chr3:142,562,617, G>C on the plus strand (C>G on the coding strand, the complement: ATR is on the minus strand). VCF-style: chr3-142562617-G-C. GRCh37 (hg19) VCF-style: chr3-142281459-G-C.
Other names: c.785C>G (NM_001184.3); c.785C>G, p.Pro262Arg (NM_001354579.2); short protein forms P262R.
Identifiers: ClinVar variation 1995987 (VCV001995987.5), dbSNP rs1382430398, ClinGen allele CA354825518.